The following is an entry in ClinVar:

ClinVar aggregate classification (germline): Likely benign. Review status: criteria provided, multiple submitters, no conflicts (2 of 4 stars). 2 submissions from 2 submitters: Likely benign (2). Last evaluated 2025-08-18.

Submissions (2):

Labcorp Genetics (formerly Invitae), Labcorp
Classification: Likely benign. Last evaluated: 2025-08-18. Review status: criteria provided, single submitter. Criteria: Invitae Variant Classification Sherloc (09022015). Collection method: clinical testing. Allele origin: germline.

GeneDx
Classification: Likely benign. Last evaluated: 2023-07-20. Review status: criteria provided, single submitter. Criteria: GeneDx Variant Classification Process June 2021. Collection method: clinical testing. Allele origin: germline. Affected: yes.
Comment: See Variant Classification Assertion Criteria.

NM_052867.4(NALCN):c.1267-14_1267-11del

Gene: NALCN (sodium leak channel, non-selective; minus strand). Cytogenetic location: 13q33.1.
Variant type: Deletion.
Coding change: c.1267-14_1267-11del on transcript NM_052867.4 (MANE Select); 14 bases into the intron before coding-DNA position 1267 through 11 bases into the intron before coding-DNA position 1267, 4 bases deleted (CTTT; older notation c.1267-14_1267-11delCTTT).
Molecular consequence: intron variant.
Genome position (GRCh38, 1-based): chr13:101,237,933-101,237,936, AAAG deleted on the plus strand (CTTT on the coding strand, the reverse complement: NALCN is on the minus strand); deleting any 4 consecutive bases within chr13:101,237,933-101,237,939 gives the same sequence; the c. name uses the placement nearest the transcript's 3' end. VCF-style (leftmost placement, unchanged base first): chr13-101237932-CAAAG-C. GRCh37 (hg19) VCF-style: chr13-101890283-CAAAG-C.
Other names: c.1180-14_1180-11del (NM_001350751.2, NM_001350750.2); c.1267-14_1267-11del (NM_001350749.2, NM_001350748.2).
Identifiers: ClinVar variation 1177772 (VCV001177772.8), dbSNP rs757133796, ClinGen allele CA7036240.